The following is an entry in ClinVar:

NM_001378183.1(PIEZO2):c.1631C>T (p.Ser544Phe)

Gene: PIEZO2 (piezo type mechanosensitive ion channel component 2; minus strand). Cytogenetic location: 18p11.22.
Variant type: single nucleotide variant.
Coding change: c.1631C>T on transcript NM_001378183.1 (MANE Select); coding-DNA position 1631, C replaced by T.
Protein change: p.Ser544Phe; replaces serine 544 with phenylalanine.
Molecular consequence: missense variant.
Genome position (GRCh38, 1-based): chr18:10,794,899, G>A on the plus strand (C>T on the coding strand, the complement: PIEZO2 is on the minus strand). VCF-style: chr18-10794899-G-A. GRCh37 (hg19) VCF-style: chr18-10794897-G-A.
Other names: c.1631C>T, p.Ser544Phe (NM_022068.4); c.1631C>T (NM_022068.3); short protein forms S544F.
Identifiers: ClinVar variation 1370731 (VCV001370731.6), dbSNP rs2039523056, ClinGen allele CA401924299.

ClinVar aggregate classification (germline): Uncertain significance. Review status: criteria provided, multiple submitters, no conflicts (2 of 4 stars). 2 submissions from 2 submitters: Uncertain significance (2). Last evaluated 2024-10-16.

Conditions:
Arthrogryposis, distal, with impaired proprioception and touch (DAIPT). Identifiers: MedGen C4310692, MONDO:0014941, OMIM 617146.

Allele frequency attached by ClinVar (database versions not stated): TOPMed below 0.00001.

Submissions (2):

Labcorp Genetics (formerly Invitae), Labcorp
Classification: Uncertain significance. Last evaluated: 2024-10-16. Review status: criteria provided, single submitter. Criteria: Invitae Variant Classification Sherloc (09022015). Collection method: clinical testing. Allele origin: germline.
Comment: This sequence change replaces serine, which is neutral and polar, with phenylalanine, which is neutral and non-polar, at codon 544 of the PIEZO2 protein (p.Ser544Phe). This variant is not present in population databases (gnomAD no frequency). This variant has not been reported in the literature in individuals affected with PIEZO2-related conditions. ClinVar contains an entry for this variant (Variation ID: 1370731). Invitae Evidence Modeling of protein sequence and biophysical properties (such as structural, functional, and spatial information, amino acid conservation, physicochemical variation, residue mobility, and thermodynamic stability) indicates that this missense variant is expected to disrupt PIEZO2 protein function with a positive predictive value of 80%. In summary, the available evidence is currently insufficient to determine the role of this variant in disease. Therefore, it has been classified as a Variant of Uncertain Significance.

Baylor Genetics
Classification: Uncertain significance for Arthrogryposis, distal, with impaired proprioception and touch. Last evaluated: 2022-06-09. Review status: criteria provided, single submitter. Criteria: ACMG Guidelines, 2015. Collection method: clinical testing. Allele origin: unknown.